The following is an entry in ClinVar:

ClinVar aggregate classification (germline): Uncertain significance. Review status: criteria provided, multiple submitters, no conflicts (2 of 4 stars). 4 submissions from 4 submitters: Uncertain significance (4). Last evaluated 2025-12-01.

Conditions:
Congenital muscular hypertrophy-cerebral syndrome (CDLS2). Also called: Cornelia de Lange syndrome 2; SMC1A-Related Cornelia de Lange Syndrome. Identifiers: Orphanet 199, MedGen C1802395, MONDO:0010370, OMIM 300590.
Inborn genetic diseases. Identifiers: MedGen C0950123, MeSH D030342.

Allele frequency attached by ClinVar (database versions not stated): ExAC below 0.00001.

Submissions (4):

CeGaT Center for Human Genetics Tuebingen
Classification: Uncertain significance. Last evaluated: 2025-12-01. Review status: criteria provided, single submitter. Criteria: CeGaT Center For Human Genetics Tuebingen Variant Classification Criteria Version 2. Collection method: clinical testing. Allele origin: germline. Affected: yes. Observed: 1 variant allele.
Comment: SMC1A: PM2, PP2, PS2:Supporting

Labcorp Genetics (formerly Invitae), Labcorp
Classification: Uncertain significance for Congenital muscular hypertrophy-cerebral syndrome. Last evaluated: 2025-11-19. Review status: criteria provided, single submitter. Criteria: Invitae Variant Classification Sherloc (09022015). Collection method: clinical testing. Allele origin: germline.
Comment: This sequence change replaces asparagine, which is neutral and polar, with serine, which is neutral and polar, at codon 397 of the SMC1A protein (p.Asn397Ser). This variant is not present in population databases (gnomAD no frequency). This variant has not been reported in the literature in individuals affected with SMC1A-related conditions. ClinVar contains an entry for this variant (Variation ID: 436820). Invitae Evidence Modeling of protein sequence and biophysical properties (such as structural, functional, and spatial information, amino acid conservation, physicochemical variation, residue mobility, and thermodynamic stability) indicates that this missense variant is not expected to disrupt SMC1A protein function with a negative predictive value of 80%. In summary, the available evidence is currently insufficient to determine the role of this variant in disease. Therefore, it has been classified as a Variant of Uncertain Significance.

Ambry Genetics
Classification: Uncertain significance for Inborn genetic diseases. Last evaluated: 2021-07-09. Review status: criteria provided, single submitter. Criteria: Ambry Variant Classification Scheme 2023. Collection method: clinical testing. Allele origin: germline.

Genetic Services Laboratory, University of Chicago
Classification: Uncertain significance. Last evaluated: 2016-05-31. Review status: criteria provided, single submitter. Criteria: ACMG Guidelines, 2015. Collection method: clinical testing. Allele origin: germline. Affected: no.

NM_006306.4(SMC1A):c.1190A>G (p.Asn397Ser)

Gene: SMC1A (structural maintenance of chromosomes 1A; minus strand). Cytogenetic location: Xp11.22.
Variant type: single nucleotide variant.
Coding change: c.1190A>G on transcript NM_006306.4 (MANE Select); coding-DNA position 1190, A replaced by G.
Protein change: p.Asn397Ser; replaces asparagine 397 with serine.
Molecular consequence: missense variant.
Genome position (GRCh38, 1-based): chrX:53,411,825, T>C on the plus strand (A>G on the coding strand, the complement: SMC1A is on the minus strand). VCF-style: chrX-53411825-T-C. GRCh37 (hg19) VCF-style: chrX-53438775-T-C.
Other names: c.1124A>G, p.Asn375Ser (NM_001281463.1); short protein forms N375S, N397S.
Identifiers: ClinVar variation 436820 (VCV000436820.16), dbSNP rs782697006, ClinGen allele CA10420591.